The following is an entry in ClinVar:

NM_000551.4(VHL):c.340+623del

Genes: VHL (von Hippel-Lindau tumor suppressor; plus strand), LOC107303340 (3p25 von Hippel-Lindau tumor suppressor, E3 ubiquitin protein ligase Alu-mediated recombination region; plus strand). Cytogenetic location: 3p25.3.
Variant type: Deletion.
Coding change: c.340+623del on transcript NM_000551.4 (MANE Select); 623 bases into the intron after coding-DNA position 340, one base deleted (G; older notation c.340+623delG).
Molecular consequence: intron variant. On other transcripts: frameshift variant (1), non-coding transcript variant (1).
Genome position (GRCh38, 1-based): chr3:10,142,810, G deleted; the last of 2 consecutive G bases (chr3:10,142,809-10,142,810); deleting either gives the same sequence. VCF-style (leftmost placement, unchanged base first): chr3-10142808-TG-T. GRCh37 (hg19) VCF-style: chr3-10184492-TG-T.
Other names: c.388del, p.Glu130fs (NM_001354723.2); c.340+623del (NM_198156.3); short protein forms E130fs.
Identifiers: ClinVar variation 3756306 (VCV003756306.2).

ClinVar aggregate classification (germline): Uncertain significance (1 of 4 stars; one submission).

Conditions:
Chuvash polycythemia. Also called: POLYCYTHEMIA, VHL-DEPENDENT. Identifiers: Orphanet 238557, MedGen C1837915, MONDO:0009892, OMIM 263400.
Von Hippel-Lindau syndrome (VHLS). Also called: VHL syndrome; von Hippel–Lindau syndrome; Von Hippel-Lindau. Identifiers: Orphanet 892, MedGen C0019562, MONDO:0008667, OMIM 193300. Disease mechanism: loss of function.

Submission:

Labcorp Genetics (formerly Invitae), Labcorp
Classification: Uncertain significance for Von Hippel-Lindau syndrome; Chuvash polycythemia. Last evaluated: 2024-05-11. Review status: criteria provided, single submitter. Criteria: Invitae Variant Classification Sherloc (09022015). Collection method: clinical testing. Allele origin: germline.
Comment: This sequence change falls in intron 1 of the VHL gene. It is not expected to change the encoded amino acid sequence of the VHL protein. However, this sequence change falls within a cryptic exon in the VHL gene, known as exon E1’, which is naturally expressed at low levels in several human tissues (PMID: 29891534). This variant is not present in population databases (gnomAD no frequency). This variant has not been reported in the literature in individuals affected with VHL-related conditions. Algorithms developed to predict the effect of sequence changes on RNA splicing suggest that this variant is not likely to affect RNA splicing. In summary, the available evidence is currently insufficient to determine the role of this variant in disease. Therefore, it has been classified as a Variant of Uncertain Significance.

Literature cited by the submitters: PubMed 29891534.